The following is an entry in ClinVar:

NM_194277.3(FRMD7):c.96C>T (p.Cys32=)

Gene: FRMD7 (FERM domain containing 7; minus strand). Cytogenetic location: Xq26.2.
Variant type: single nucleotide variant.
Coding change: c.96C>T on transcript NM_194277.3 (MANE Select); coding-DNA position 96, C replaced by T.
Protein change: p.Cys32=; no amino-acid change (cysteine 32 retained).
Molecular consequence: synonymous variant.
Genome position (GRCh38, 1-based): chrX:132,100,678, G>A on the plus strand (C>T on the coding strand, the complement: FRMD7 is on the minus strand). VCF-style: chrX-132100678-G-A. GRCh37 (hg19) VCF-style: chrX-131234706-G-A.
Other names: c.96C>T, p.Cys32= (NM_001306193.2).
Identifiers: ClinVar variation 3673684 (VCV003673684.2).

ClinVar aggregate classification (germline): Uncertain significance (1 of 4 stars; one submission).

Submission:

Labcorp Genetics (formerly Invitae), Labcorp
Classification: Uncertain significance. Last evaluated: 2024-10-23. Review status: criteria provided, single submitter. Criteria: Invitae Variant Classification Sherloc (09022015). Collection method: clinical testing. Allele origin: germline.
Comment: This sequence change affects codon 32 of the FRMD7 mRNA. It is a 'silent' change, meaning that it does not change the encoded amino acid sequence of the FRMD7 protein. This variant is not present in population databases (gnomAD no frequency). This variant has not been reported in the literature in individuals affected with FRMD7-related conditions. Algorithms developed to predict the effect of sequence changes on RNA splicing suggest that this variant may disrupt the consensus splice site. In summary, the available evidence is currently insufficient to determine the role of this variant in disease. Therefore, it has been classified as a Variant of Uncertain Significance.